The following is an entry in ClinVar:

ClinVar aggregate classification (germline): Likely benign. Review status: criteria provided, multiple submitters, no conflicts (2 of 4 stars). 4 submissions from 4 submitters: Likely benign (4). Last evaluated 2025-08-11.

Allele frequency attached by ClinVar (database versions not stated): ExAC 0.00035; gnomAD exomes 0.00039 and 0.00074; TOPMed 0.00053; gnomAD 0.00054 and 0.00055; ESP Exome Variant Server 0.00062.
gnomAD v4.1: 1,148 of 1,613,610 alleles (0.071%); highest among the groups gnomAD compares: Non-Finnish European, 0.088%; no homozygotes.

Submissions (4):

Labcorp Genetics (formerly Invitae), Labcorp
Classification: Likely benign. Last evaluated: 2025-08-11. Review status: criteria provided, single submitter. Criteria: Invitae Variant Classification Sherloc (09022015). Collection method: clinical testing. Allele origin: germline.

Blueprint Genetics
Classification: Likely benign. Last evaluated: 2024-11-04. Review status: criteria provided, single submitter. Criteria: ACMG Guidelines, 2015. Collection method: clinical testing. Allele origin: germline.

CeGaT Center for Human Genetics Tuebingen
Classification: Likely benign. Last evaluated: 2024-03-01. Review status: criteria provided, single submitter. Criteria: CeGaT Center For Human Genetics Tuebingen Variant Classification Criteria Version 2. Collection method: clinical testing. Allele origin: germline. Affected: yes. Observed: 2 variant alleles.
Comment: TAF2: BP4, BP7

Genetic Services Laboratory, University of Chicago
Classification: Likely benign. Last evaluated: 2016-08-12. Review status: criteria provided, single submitter. Criteria: ACMG Guidelines, 2015. Collection method: clinical testing. Allele origin: germline. Affected: no.

NM_003184.4(TAF2):c.1551G>A (p.Pro517=)

Gene: TAF2 (TATA-box binding protein associated factor 2; minus strand). Cytogenetic location: 8q24.12.
Variant type: single nucleotide variant.
Coding change: c.1551G>A on transcript NM_003184.4 (MANE Select); coding-DNA position 1551, G replaced by A.
Protein change: p.Pro517=; no amino-acid change (proline 517 retained).
Molecular consequence: synonymous variant.
Genome position (GRCh38, 1-based): chr8:119,789,609, C>T on the plus strand (G>A on the coding strand, the complement: TAF2 is on the minus strand). VCF-style: chr8-119789609-C-T. GRCh37 (hg19) VCF-style: chr8-120801849-C-T.
Identifiers: ClinVar variation 436941 (VCV000436941.39), dbSNP rs147865905, ClinGen allele CA4857285.
Genomic context (GRCh38, chr8:119,789,609, plus strand): 5'-TATTCCCTTCCCCACTCTGTTGAACTGCTATTGAAAAGGATACACCCACTGCTTTATTAA[C>T]GGCTGAATATCTTTGCCAGAGACATTTGAAATGGATTTCAAAAACCCAGATGTGGAAACC-3'
Protein context (NP_003175.2, residues 507-527): ISNVSGKDIQ[Pro517=]LIKQWVDQSG